The following is an entry in ClinVar:

NM_018263.6(ASXL2):c.3462C>G (p.Ser1154Arg)

Gene: ASXL2 (ASXL transcriptional regulator 2; minus strand). Cytogenetic location: 2p23.3.
Variant type: single nucleotide variant.
Coding change: c.3462C>G on transcript NM_018263.6 (MANE Select); coding-DNA position 3462, C replaced by G.
Protein change: p.Ser1154Arg; replaces serine 1154 with arginine.
Molecular consequence: missense variant.
Genome position (GRCh38, 1-based): chr2:25,742,875, G>C on the plus strand (C>G on the coding strand, the complement: ASXL2 is on the minus strand). VCF-style: chr2-25742875-G-C. GRCh37 (hg19) VCF-style: chr2-25965744-G-C.
Other names: c.3288C>G, p.Ser1096Arg (NM_001369346.1); c.2682C>G, p.Ser894Arg (NM_001369347.1); short protein forms S1096R, S1154R, S894R.
Identifiers: ClinVar variation 2580635 (VCV002580635.1), dbSNP rs1188447400, ClinGen allele CA346078470.

ClinVar aggregate classification (germline): Uncertain significance (1 of 4 stars; one submission).

Submission:

GeneDx
Classification: Uncertain significance. Last evaluated: 2023-03-24. Review status: criteria provided, single submitter. Criteria: GeneDx Variant Classification Process June 2021. Collection method: clinical testing. Allele origin: germline. Affected: yes.
Comment: Not observed at significant frequency in large population cohorts (gnomAD); In silico analysis supports that this missense variant does not alter protein structure/function; Has not been previously published as pathogenic or benign to our knowledge